The following is an entry in ClinVar:

ClinVar aggregate classification (germline): Uncertain significance (1 of 4 stars; one submission).

Submission:

Labcorp Genetics (formerly Invitae), Labcorp
Classification: Uncertain significance. Last evaluated: 2025-06-23. Review status: criteria provided, single submitter. Criteria: Invitae Variant Classification Sherloc (09022015). Collection method: clinical testing. Allele origin: germline.
Comment: This sequence change replaces alanine, which is neutral and non-polar, with aspartic acid, which is acidic and polar, at codon 557 of the SPECC1L protein (p.Ala557Asp). This variant is not present in population databases (gnomAD no frequency). This variant has not been reported in the literature in individuals affected with SPECC1L-related conditions. Invitae Evidence Modeling of protein sequence and biophysical properties (such as structural, functional, and spatial information, amino acid conservation, physicochemical variation, residue mobility, and thermodynamic stability) indicates that this missense variant is not expected to disrupt SPECC1L protein function with a negative predictive value of 80%. In summary, the available evidence is currently insufficient to determine the role of this variant in disease. Therefore, it has been classified as a Variant of Uncertain Significance.

NM_015330.6(SPECC1L):c.1670C>A (p.Ala557Asp)

Genes: SPECC1L (sperm antigen with calponin homology and coiled-coil domains 1 like; plus strand), SPECC1L-ADORA2A (SPECC1L-ADORA2A readthrough (NMD candidate); plus strand). Cytogenetic location: 22q11.23.
Variant type: single nucleotide variant.
Coding change: c.1670C>A on transcript NM_015330.6 (MANE Select); coding-DNA position 1670, C replaced by A.
Protein change: p.Ala557Asp; replaces alanine 557 with aspartic acid.
Molecular consequence: missense variant. On other transcripts: non-coding transcript variant (1).
Genome position (GRCh38, 1-based): chr22:24,322,650, C>A. VCF-style: chr22-24322650-C-A. GRCh37 (hg19) VCF-style: chr22-24718618-C-A.
Other names: c.1670C>A, p.Ala557Asp (NM_001145468.4, NM_001254732.3); short protein forms A557D.
Identifiers: ClinVar variation 4744356 (VCV004744356.1).